The following is an entry in ClinVar:

ClinVar aggregate classification (germline): Pathogenic (1 of 4 stars; one submission).

Conditions:
Neurofibromatosis, type 1 (NF1). Also called: Neurofibromatosis, type I; VON RECKLINGHAUSEN DISEASE; Peripheral type neurofibromatosis; NEUROFIBROMATOSIS, TYPE I, SOMATIC. Identifiers: Orphanet 636, MedGen C0027831, MONDO:0018975, OMIM 162200. Disease mechanism: loss of function.

Submission:

Labcorp Genetics (formerly Invitae), Labcorp
Classification: Pathogenic for Neurofibromatosis, type 1. Last evaluated: 2022-09-21. Review status: criteria provided, single submitter. Criteria: Invitae Variant Classification Sherloc (09022015). Collection method: clinical testing. Allele origin: germline.
Comment: For these reasons, this variant has been classified as Pathogenic. ClinVar contains an entry for this variant (Variation ID: 850578). This variant has not been reported in the literature in individuals affected with NF1-related conditions. This variant is not present in population databases (gnomAD no frequency). This sequence change creates a premature translational stop signal (p.Gly922Valfs*2) in the NF1 gene. It is expected to result in an absent or disrupted protein product. Loss-of-function variants in NF1 are known to be pathogenic (PMID: 10712197, 23913538).

Literature cited by the submitters: PubMed 10712197; PubMed 23913538.

NM_001042492.3(NF1):c.2765del (p.Gly922fs)

Gene: NF1 (neurofibromin 1; plus strand). Cytogenetic location: 17q11.2.
Variant type: Deletion.
Coding change: c.2765del on transcript NM_001042492.3 (MANE Select); coding-DNA position 2765, one base deleted (G; older notation c.2765delG).
Protein change: p.Gly922fs; shifts the reading frame from glycine 922.
Molecular consequence: frameshift variant.
Genome position (GRCh38, 1-based): chr17:31,229,380, G deleted; the last of 3 consecutive G bases (chr17:31,229,378-31,229,380); deleting any one gives the same sequence. VCF-style (leftmost placement, unchanged base first): chr17-31229377-TG-T. GRCh37 (hg19) VCF-style: chr17-29556395-TG-T.
Other names: c.2765delG, p.Gly922Valfs (NM_000267.4); short protein forms G922fs.
Identifiers: ClinVar variation 850578 (VCV000850578.6), dbSNP rs2067073056, ClinGen allele CA916080629.